The following is an entry in ClinVar:

NM_000188.3(HK1):c.1615_1616del (p.Arg539fs)

Gene: HK1 (hexokinase 1; plus strand). Cytogenetic location: 10q22.1.
Variant type: Deletion.
Coding change: c.1615_1616del on transcript NM_000188.3 (MANE Select); coding-DNA positions 1615 to 1616, 2 bases deleted (CG; older notation c.1615_1616delCG).
Protein change: p.Arg539fs; shifts the reading frame from arginine 539.
Molecular consequence: frameshift variant. On other transcripts: non-coding transcript variant (2).
Genome position (GRCh38, 1-based): chr10:69,384,377-69,384,378, CG deleted. VCF-style (leftmost placement, unchanged base first): chr10-69384376-CCG-C. GRCh37 (hg19) VCF-style: chr10-71144132-CCG-C.
Other names: c.1579_1580del, p.Arg527fs (NM_033500.2); c.1627_1628del, p.Arg543fs (NM_001322364.2, NM_001358263.1, NM_033497.3 and 1 more transcripts); c.1720_1721del, p.Arg574fs (NM_001322365.2); c.1531_1532del, p.Arg511fs (NM_001322366.1, NM_001441143.1); c.1519_1520del, p.Arg507fs (NM_001322367.1); c.1615_1616del, p.Arg539fs (NM_001441139.1, NM_001441141.1, NM_001441145.1 and 2 more transcripts); c.1606_1607del, p.Arg536fs (NM_001441140.1); c.1573_1574del, p.Arg525fs (NM_001441142.1); and 8 more; short protein forms R203fs, R301fs, R326fs, R409fs, R417fs, R465fs, R499fs, R507fs.
Identifiers: ClinVar variation 4077280 (VCV004077280.1).

ClinVar aggregate classification (germline): Uncertain significance (1 of 4 stars; one submission).

Submission:

GeneDx
Classification: Uncertain significance. Last evaluated: 2025-02-27. Review status: criteria provided, single submitter. Criteria: GeneDx Variant Classification Process June 2021. Collection method: clinical testing. Allele origin: germline. Affected: yes.
Comment: Not observed at significant frequency in large population cohorts (gnomAD); Frameshift variant predicted to result in protein truncation or nonsense mediated decay in a gene or region of a gene for which loss of function is not a well-established mechanism of disease; Has not been previously published as pathogenic or benign to our knowledge